The following is an entry in ClinVar:

ClinVar aggregate classification (germline): Likely benign (0 of 4 stars; one submission).

Conditions:
MGAM-related disorder. Also called: MGAM-related condition.

Allele frequency attached by ClinVar (database versions not stated): ESP Exome Variant Server 0.00008; TOPMed 0.00011; gnomAD 0.00027; ExAC 0.00081; 1000 Genomes Project 30x 0.00250; 1000 Genomes Project 0.00280.
gnomAD v4.1: 548 of 1,611,422 alleles (0.034%); highest among the groups gnomAD compares: South Asian, 0.49%; 7 homozygotes.

Submission:

PreventionGenetics, part of Exact Sciences
Classification: Likely benign for MGAM-related condition. Last evaluated: 2022-03-21. Review status: no assertion criteria provided. Collection method: clinical testing. Allele origin: germline.
Comment: This variant is classified as likely benign based on ACMG/AMP sequence variant interpretation guidelines (Richards et al. 2015 PMID: 25741868, with internal and published modifications).

NM_001365693.1(MGAM):c.8243C>T (p.Thr2748Met)

Gene: MGAM (maltase-glucoamylase; plus strand). Cytogenetic location: 7q34.
Variant type: single nucleotide variant.
Coding change: c.8243C>T on transcript NM_001365693.1 (MANE Select); coding-DNA position 8243, C replaced by T.
Protein change: p.Thr2748Met; replaces threonine 2748 with methionine.
Molecular consequence: missense variant.
Genome position (GRCh38, 1-based): chr7:142,105,872, C>T. VCF-style: chr7-142105872-C-T. GRCh37 (hg19) VCF-style: chr7-141805672-C-T.
Other names: c.5555C>T, p.Thr1852Met (NM_004668.3); short protein forms T1852M, T2748M.
Identifiers: ClinVar variation 3052877 (VCV003052877.2), dbSNP rs370916883, ClinGen allele CA168442339.
Genomic context (GRCh38, chr7:142,105,872, plus strand): 5'-AGGTATTAAGCATCGATGTGACTGACAGAAACATCAGCCTACATAATTTTACTTCATTGA[C>T]GTGGATAAGCACTCTGTGAATTTTTACAGCAAGATTCTAACTAACTATGAATGACTTTGA-3'
Protein context (NP_001352622.1, residues 2738-2753): NISLHNFTSL[Thr2748Met]WISTL